The following is an entry in ClinVar:

ClinVar aggregate classification (germline): Uncertain significance. Review status: criteria provided, multiple submitters, no conflicts (2 of 4 stars). 2 submissions from 2 submitters: Uncertain significance (2). Last evaluated 2025-12-09.

Conditions:
Emery-Dreifuss muscular dystrophy 5, autosomal dominant (EDMD5). Also called: EMERY-DREIFUSS MUSCULAR DYSTROPHY 5. Identifiers: Orphanet 261, MedGen C2751805, MONDO:0013072, OMIM 612999.

Allele frequency attached by ClinVar (database versions not stated): gnomAD exomes below 0.00001.
gnomAD v4.1: 1 of 1,614,148 alleles (0.000062%); highest among the groups gnomAD compares: Non-Finnish European, 0.000085%; no homozygotes.

Submissions (2):

Women's Health and Genetics/Laboratory Corporation of America, LabCorp
Classification: Uncertain significance. Last evaluated: 2025-12-09. Review status: criteria provided, single submitter. Criteria: LabCorp Variant Classification Summary - May 2015. Collection method: clinical testing. Allele origin: germline.
Comment: Variant summary: SYNE2 c.13128C>G (p.Phe4376Leu) results in a non-conservative amino acid change in the encoded protein sequence. Algorithms developed to predict the effect of missense changes on protein structure and function are either unavailable or do not agree on the potential impact of this missense change. The variant was absent in 251412 control chromosomes. The available data on variant occurrences in the general population are insufficient to allow any conclusion about variant significance. To our knowledge, no occurrence of c.13128C>G in individuals affected with SYNE2-related conditions and no experimental evidence demonstrating its impact on protein function have been reported. ClinVar contains an entry for this variant (Variation ID: 3017136). Based on the evidence outlined above, the variant was classified as uncertain significance.

Labcorp Genetics (formerly Invitae), Labcorp
Classification: Uncertain significance for Emery-Dreifuss muscular dystrophy 5, autosomal dominant. Last evaluated: 2022-11-10. Review status: criteria provided, single submitter. Criteria: Invitae Variant Classification Sherloc (09022015). Collection method: clinical testing. Allele origin: germline.
Comment: This sequence change replaces phenylalanine, which is neutral and non-polar, with leucine, which is neutral and non-polar, at codon 4376 of the SYNE2 protein (p.Phe4376Leu). This variant is not present in population databases (gnomAD no frequency). This variant has not been reported in the literature in individuals affected with SYNE2-related conditions. Algorithms developed to predict the effect of missense changes on protein structure and function (SIFT, PolyPhen-2, Align-GVGD) all suggest that this variant is likely to be tolerated. In summary, the available evidence is currently insufficient to determine the role of this variant in disease. Therefore, it has been classified as a Variant of Uncertain Significance.

NM_182914.3(SYNE2):c.13128C>G (p.Phe4376Leu)

Gene: SYNE2 (spectrin repeat containing nuclear envelope protein 2; plus strand). Cytogenetic location: 14q23.2.
Variant type: single nucleotide variant.
Coding change: c.13128C>G on transcript NM_182914.3 (MANE Select); coding-DNA position 13128, C replaced by G.
Protein change: p.Phe4376Leu; replaces phenylalanine 4376 with leucine.
Molecular consequence: missense variant.
Genome position (GRCh38, 1-based): chr14:64,121,031, C>G. VCF-style: chr14-64121031-C-G. GRCh37 (hg19) VCF-style: chr14-64587749-C-G.
Other names: c.13128C>G, p.Phe4376Leu (NM_015180.6); short protein forms F4376L.
Identifiers: ClinVar variation 3017136 (VCV003017136.4), dbSNP rs2097894332, ClinGen allele CA389962090.